The following is an entry in ClinVar:

ClinVar aggregate classification (germline): Uncertain significance (1 of 4 stars; one submission).

Conditions:
Chédiak-Higashi syndrome (CHS). Also called: Chediak-Higashi Syndrome. Identifiers: Orphanet 167, MedGen C0007965, MONDO:0008963, OMIM 214500.

Submission:

Labcorp Genetics (formerly Invitae), Labcorp
Classification: Uncertain significance for Chédiak-Higashi syndrome. Last evaluated: 2022-07-11. Review status: criteria provided, single submitter. Criteria: Invitae Variant Classification Sherloc (09022015). Collection method: clinical testing. Allele origin: germline.
Comment: In summary, the available evidence is currently insufficient to determine the role of this variant in disease. Therefore, it has been classified as a Variant of Uncertain Significance. Algorithms developed to predict the effect of missense changes on protein structure and function are either unavailable or do not agree on the potential impact of this missense change (SIFT: "Deleterious"; PolyPhen-2: "Probably Damaging"; Align-GVGD: "Class C0"). This variant has not been reported in the literature in individuals affected with LYST-related conditions. This variant is not present in population databases (gnomAD no frequency). This sequence change replaces arginine, which is basic and polar, with serine, which is neutral and polar, at codon 2959 of the LYST protein (p.Arg2959Ser).

NM_000081.4(LYST):c.8877G>C (p.Arg2959Ser)

Gene: LYST (lysosomal trafficking regulator; minus strand). Cytogenetic location: 1q42.3.
Variant type: single nucleotide variant.
Coding change: c.8877G>C on transcript NM_000081.4 (MANE Select); coding-DNA position 8877, G replaced by C.
Protein change: p.Arg2959Ser; replaces arginine 2959 with serine.
Molecular consequence: missense variant.
Genome position (GRCh38, 1-based): chr1:235,731,102, C>G on the plus strand (G>C on the coding strand, the complement: LYST is on the minus strand). VCF-style: chr1-235731102-C-G. GRCh37 (hg19) VCF-style: chr1-235894402-C-G.
Other names: c.8877G>C, p.Arg2959Ser (NM_001301365.1); short protein forms R2959S.
Identifiers: ClinVar variation 2016043 (VCV002016043.4), dbSNP rs2527531248, ClinGen allele CA344950071.